The following is an entry in ClinVar:

ClinVar aggregate classification (germline): Benign. Review status: criteria provided, multiple submitters, no conflicts (2 of 4 stars). 2 submissions from 2 submitters: Benign (2). Last evaluated 2018-01-13.

Conditions:
Immunodeficiency 104. Also called: IMMUNODEFICIENCY 104, SEVERE COMBINED; Severe combined immunodeficiency, autosomal recessive, T cell-negative, B cell-positive, NK cell-positive; SCID, AUTOSOMAL RECESSIVE, T CELL-NEGATIVE, B CELL-POSITIVE, NK CELL-POSITIVE; Severe Combined Immune Deficiency, Autosomal Recessive, TCell -Negative, B Cell-Positive, NK Cell-Positive, IL7R-Related. Identifiers: MedGen C5676890, MONDO:0012163, OMIM 608971.

Allele frequency attached by ClinVar (database versions not stated): 1000 Genomes Project 0.64896; 1000 Genomes Project 30x 0.65709; TOPMed 0.70972; gnomAD 0.71142 and 0.72445.
gnomAD v4.1: 159,519 of 232,810 alleles (69%); highest among the groups gnomAD compares: African/African-American, 88%; 56,609 homozygotes.

Submissions (2):

Illumina Laboratory Services, Illumina
Classification: Benign for Immunodeficiency 104. Last evaluated: 2018-01-13. Review status: criteria provided, single submitter. Criteria: ICSL Variant Classification Criteria 13 December 2019. Collection method: clinical testing. Allele origin: germline.
Comment: This variant was observed in the ICSL laboratory as part of a predisposition screen in an ostensibly healthy population. It had not been previously curated by ICSL or reported in the Human Gene Mutation Database (HGMD: prior to June 1st, 2018), and was therefore a candidate for classification through an automated scoring system. Utilizing variant allele frequency, disease prevalence and penetrance estimates, and inheritance mode, an automated score was calculated to assess if this variant is too frequent to cause the disease. Based on the score and internal cut-off values, a variant classified as benign is not then subjected to further curation. The score for this variant resulted in a classification of benign for this disease.

Breakthrough Genomics
Classification: Benign. Review status: criteria provided, single submitter. Criteria: ACMG Guidelines, 2015. Collection method: not provided. Allele origin: germline. Inheritance: Autosomal recessive inheritance. Affected: yes.

NM_002185.5(IL7R):c.*2339T>C

Gene: IL7R (interleukin 7 receptor; plus strand). Cytogenetic location: 5p13.2.
Variant type: single nucleotide variant.
Coding change: c.*2339T>C on transcript NM_002185.5 (MANE Select); 2339 bases downstream of the stop codon, T replaced by C.
Molecular consequence: 3 prime UTR variant. On other transcripts: non-coding transcript variant (1).
Genome position (GRCh38, 1-based): chr5:35,878,825, T>C. VCF-style: chr5-35878825-T-C. GRCh37 (hg19) VCF-style: chr5-35878927-T-C.
Identifiers: ClinVar variation 905807 (VCV000905807.5), dbSNP rs6451231, ClinGen allele CA12097697.